The following is an entry in ClinVar:

ClinVar aggregate classification (germline): Likely benign (1 of 4 stars; one submission).

gnomAD v4.1: 12,719 of 1,557,652 alleles (0.82%); highest among the groups gnomAD compares: Non-Finnish European, 0.91%; 69 homozygotes.

Submissions (9):

CeGaT Center for Human Genetics Tuebingen
Classification: Likely benign. Last evaluated: 2025-08-01. Review status: criteria provided, single submitter. Criteria: CeGaT Center For Human Genetics Tuebingen Variant Classification Criteria Version 2. Collection method: clinical testing. Allele origin: germline. Affected: yes. Observed: 1 variant allele.
Comment: CTBP2: BP4, BP7, BS2

Dr. Peter K. Rogan Lab, Western University
No classification provided (evidence only). Condition: Malignant tumor of urinary bladder. Review status: no classification provided. Collection method: in vitro. Allele origin: not applicable. Functional consequence: skipped exon. Not counted in ClinVar's aggregate classification.

Dr. Peter K. Rogan Lab, Western University
No classification provided (evidence only). Condition: Lung cancer. Review status: no classification provided. Collection method: in vitro. Allele origin: not applicable. Functional consequence: retained intron. Not counted in ClinVar's aggregate classification.

Dr. Peter K. Rogan Lab, Western University
No classification provided (evidence only). Condition: Lung cancer. Review status: no classification provided. Collection method: in vitro. Allele origin: not applicable. Functional consequence: skipped exon. Not counted in ClinVar's aggregate classification.

Dr. Peter K. Rogan Lab, Western University
No classification provided (evidence only). Condition: Lung cancer. Review status: no classification provided. Collection method: in vitro. Allele origin: not applicable. Functional consequence: skipped exon. Not counted in ClinVar's aggregate classification.

Dr. Peter K. Rogan Lab, Western University
No classification provided (evidence only). Condition: Cervical cancer. Review status: no classification provided. Collection method: in vitro. Allele origin: not applicable. Functional consequence: skipped exon, retained intron. Not counted in ClinVar's aggregate classification.

Dr. Peter K. Rogan Lab, Western University
No classification provided (evidence only). Condition: Cervical cancer. Review status: no classification provided. Collection method: in vitro. Allele origin: not applicable. Functional consequence: retained intron. Not counted in ClinVar's aggregate classification.

Dr. Peter K. Rogan Lab, Western University
No classification provided (evidence only). Condition: Hepatocellular carcinoma. Review status: no classification provided. Collection method: in vitro. Allele origin: not applicable. Functional consequence: retained intron. Not counted in ClinVar's aggregate classification.

Dr. Peter K. Rogan Lab, Western University
No classification provided (evidence only). Condition: Hepatocellular carcinoma. Review status: no classification provided. Collection method: in vitro. Allele origin: not applicable. Functional consequence: skipped exon. Not counted in ClinVar's aggregate classification.

NM_001329.4(CTBP2):c.58+12365C>T

Gene: CTBP2 (C-terminal binding protein 2; minus strand). Cytogenetic location: 10q26.13.
Variant type: single nucleotide variant.
Coding change: c.58+12365C>T on transcript NM_001329.4 (MANE Select); 12365 bases into the intron after coding-DNA position 58, C replaced by T.
Molecular consequence: intron variant. On other transcripts: synonymous variant (1).
Genome position (GRCh38, 1-based): chr10:125,026,632, G>A on the plus strand (C>T on the coding strand, the complement: CTBP2 is on the minus strand). VCF-style: chr10-125026632-G-A. GRCh37 (hg19) VCF-style: chr10-126715201-G-A.
Other names: NC_000010.10:g.126715201G>A; c.1128C>T, p.Ser376= (NM_022802.3); c.58+12365C>T (NM_001083914.3, NM_001290214.3, NM_001321012.2 and 3 more transcripts).
Identifiers: ClinVar variation 4083569 (VCV004083569.9).